The following is an entry in ClinVar:

ClinVar aggregate classification (germline): Uncertain significance (1 of 4 stars; one submission).

Conditions:
Lynch syndrome. Identifiers: Orphanet 144, MedGen C4552100, MONDO:0005835. Disease mechanism: loss of function.

Submission:

University of Washington Department of Laboratory Medicine, University of Washington
Classification: Uncertain significance for Lynch syndrome. Last evaluated: 2018-05-01. Review status: criteria provided, single submitter. Criteria: Shirts BH et al. (Am J Hum Genet 2018). Collection method: clinical testing. Allele origin: somatic. Affected: yes.
Comment: MSH6 NM_000179.2:c.2660T>C has a 59.6% probability of pathogenicity based on combining prior probability from public data with a likelihood ratio of 0.16 to 1, generated from evidence of seeing this as a somatic mutation in a tumor with loss of heterozygosity at the MSH6 locus. See Shirts et al 2018, PMID 29887214.

NM_000179.3(MSH6):c.2660T>C (p.Leu887Pro)

Gene: MSH6 (mutS homolog 6; plus strand). Cytogenetic location: 2p16.3.
Variant type: single nucleotide variant.
Coding change: c.2660T>C on transcript NM_000179.3 (MANE Select); coding-DNA position 2660, T replaced by C.
Protein change: p.Leu887Pro; replaces leucine 887 with proline.
Molecular consequence: missense variant.
Genome position (GRCh38, 1-based): chr2:47,800,643, T>C. VCF-style: chr2-47800643-T-C. GRCh37 (hg19) VCF-style: chr2-48027782-T-C.
Other names: c.2270T>C, p.Leu757Pro (NM_001281492.2); c.1754T>C, p.Leu585Pro (NM_001281493.2, NM_001281494.2); short protein forms L887P, L585P, L757P.
Identifiers: ClinVar variation 619578 (VCV000619578.3), dbSNP rs1558666142, ClinGen allele CA346755201.